The following is an entry in ClinVar:

NM_031407.7(HUWE1):c.5101G>A (p.Glu1701Lys)

Gene: HUWE1 (HECT, UBA and WWE domain containing E3 ubiquitin protein ligase 1; minus strand). Cytogenetic location: Xp11.22.
Variant type: single nucleotide variant.
Coding change: c.5101G>A on transcript NM_031407.7 (MANE Select); coding-DNA position 5101, G replaced by A.
Protein change: p.Glu1701Lys; replaces glutamic acid 1701 with lysine.
Molecular consequence: missense variant.
Genome position (GRCh38, 1-based): chrX:53,584,246, C>T on the plus strand (G>A on the coding strand, the complement: HUWE1 is on the minus strand). VCF-style: chrX-53584246-C-T. GRCh37 (hg19) VCF-style: chrX-53611206-C-T.
Other names: c.5101G>A (NM_031407.4, NM_031407.5); short protein forms E1701K.
Identifiers: ClinVar variation 1175824 (VCV001175824.37), dbSNP rs2148314338, ClinGen allele CA413174685.

ClinVar aggregate classification (germline): Uncertain significance. Review status: criteria provided, multiple submitters, no conflicts (2 of 4 stars). 4 submissions from 4 submitters: Uncertain significance (4). Last evaluated 2025-10-15.

Conditions:
Inborn genetic diseases. Identifiers: MedGen C0950123, MeSH D030342.
Intellectual developmental disorder, X-linked, syndromic, Turner type. Also called: Intellectual disability, X-linked syndromic, Turner type; X-linked intellectual disability, Turner type. Identifiers: Orphanet 3056, Orphanet 85328, MedGen C2678046, MONDO:0010407, OMIM 309590.

Submissions (4):

Ambry Genetics
Classification: Uncertain significance for Inborn genetic diseases. Last evaluated: 2025-10-15. Review status: criteria provided, single submitter. Criteria: Ambry Variant Classification Scheme 2023. Collection method: clinical testing. Allele origin: germline.

GeneDx
Classification: Uncertain significance. Last evaluated: 2025-02-19. Review status: criteria provided, single submitter. Criteria: GeneDx Variant Classification Process June 2021. Collection method: clinical testing. Allele origin: germline. Affected: yes.
Comment: Not observed at significant frequency in large population cohorts (gnomAD); In silico analysis indicates that this missense variant does not alter protein structure/function; Has not been previously published as pathogenic or benign to our knowledge

CeGaT Center for Human Genetics Tuebingen
Classification: Uncertain significance. Last evaluated: 2024-11-01. Review status: criteria provided, single submitter. Criteria: CeGaT Center For Human Genetics Tuebingen Variant Classification Criteria Version 2. Collection method: clinical testing. Allele origin: germline. Affected: yes. Observed: 2 variant alleles.
Comment: HUWE1: PM2

Molecular Genetics Lab, CHRU Brest
Classification: Uncertain significance for Intellectual developmental disorder, X-linked, syndromic, Turner type. Review status: criteria provided, single submitter. Criteria: ACMG Guidelines, 2015. Collection method: clinical testing. Allele origin: maternal. Affected: yes.